The following is an entry in ClinVar:

ClinVar aggregate classification (germline): Uncertain significance (1 of 4 stars; one submission).

Conditions:
Intellectual developmental disorder, X-linked 1. Also called: Atkin Flaitz Patil Smith syndrome; MENTAL RETARDATION, X-LINKED 18; MENTAL RETARDATION, X-LINKED 78; Intellectual disability, X-linked 1. Identifiers: Orphanet 777, MedGen C2931498, MONDO:0010656, OMIM 309530.

Submission:

Labcorp Genetics (formerly Invitae), Labcorp
Classification: Uncertain significance for Intellectual developmental disorder, X-linked 1. Last evaluated: 2025-01-30. Review status: criteria provided, single submitter. Criteria: Invitae Variant Classification Sherloc (09022015). Collection method: clinical testing. Allele origin: germline.
Comment: This sequence change replaces valine, which is neutral and non-polar, with alanine, which is neutral and non-polar, at codon 192 of the IQSEC2 protein (p.Val192Ala). This variant is not present in population databases (gnomAD no frequency). This variant has not been reported in the literature in individuals affected with IQSEC2-related conditions. Invitae Evidence Modeling of protein sequence and biophysical properties (such as structural, functional, and spatial information, amino acid conservation, physicochemical variation, residue mobility, and thermodynamic stability) indicates that this missense variant is not expected to disrupt IQSEC2 protein function with a negative predictive value of 95%. In summary, the available evidence is currently insufficient to determine the role of this variant in disease. Therefore, it has been classified as a Variant of Uncertain Significance.

NM_001111125.3(IQSEC2):c.575T>C (p.Val192Ala)

Gene: IQSEC2 (IQ motif and Sec7 domain ArfGEF 2; minus strand). Cytogenetic location: Xp11.22.
Variant type: single nucleotide variant.
Coding change: c.575T>C on transcript NM_001111125.3 (MANE Select); coding-DNA position 575, T replaced by C.
Protein change: p.Val192Ala; replaces valine 192 with alanine.
Molecular consequence: missense variant.
Genome position (GRCh38, 1-based): chrX:53,320,549, A>G on the plus strand (T>C on the coding strand, the complement: IQSEC2 is on the minus strand). VCF-style: chrX-53320549-A-G. GRCh37 (hg19) VCF-style: chrX-53349747-A-G.
Other names: c.575T>C, p.Val192Ala (NM_001410736.1); short protein forms V192A.
Identifiers: ClinVar variation 3634911 (VCV003634911.2).